The following is an entry in ClinVar:

NM_178822.5(IGSF10):c.404A>C (p.His135Pro)

Gene: IGSF10 (immunoglobulin superfamily member 10; minus strand). Cytogenetic location: 3q25.1.
Variant type: single nucleotide variant.
Coding change: c.404A>C on transcript NM_178822.5 (MANE Select); coding-DNA position 404, A replaced by C.
Protein change: p.His135Pro; replaces histidine 135 with proline.
Molecular consequence: missense variant.
Genome position (GRCh38, 1-based): chr3:151,453,695, T>G on the plus strand (A>C on the coding strand, the complement: IGSF10 is on the minus strand). VCF-style: chr3-151453695-T-G. GRCh37 (hg19) VCF-style: chr3-151171483-T-G.
Other names: c.404A>C, p.His135Pro (NM_001385060.1, NM_001385061.1, NM_001385062.1 and 1 more transcripts); c.404A>C (NM_178822.4); short protein forms H135P.
Identifiers: ClinVar variation 1960784 (VCV001960784.6), dbSNP rs143943953, ClinGen allele CA2670764.

ClinVar aggregate classification (germline): Uncertain significance. Review status: criteria provided, multiple submitters, no conflicts (2 of 4 stars). 2 submissions from 2 submitters: Uncertain significance (2). Last evaluated 2024-07-27.

Allele frequency attached by ClinVar (database versions not stated): ExAC 0.00003; gnomAD 0.00005; TOPMed 0.00005; gnomAD exomes 0.00011; ESP Exome Variant Server 0.00015.
gnomAD v4.1: 173 of 1,611,802 alleles (0.011%); highest among the groups gnomAD compares: Non-Finnish European, 0.014%; no homozygotes.

Submissions (2):

Ambry Genetics
Classification: Uncertain significance. Last evaluated: 2024-07-27. Review status: criteria provided, single submitter. Criteria: Ambry Variant Classification Scheme 2023. Collection method: clinical testing. Allele origin: germline.

Labcorp Genetics (formerly Invitae), Labcorp
Classification: Uncertain significance. Last evaluated: 2022-02-22. Review status: criteria provided, single submitter. Criteria: Invitae Variant Classification Sherloc (09022015). Collection method: clinical testing. Allele origin: germline.
Comment: In summary, the available evidence is currently insufficient to determine the role of this variant in disease. Therefore, it has been classified as a Variant of Uncertain Significance. Algorithms developed to predict the effect of missense changes on protein structure and function are either unavailable or do not agree on the potential impact of this missense change (SIFT: "Deleterious"; PolyPhen-2: "Probably Damaging"; Align-GVGD: "Class C0"). This variant has not been reported in the literature in individuals affected with IGSF10-related conditions. This variant is present in population databases (rs143943953, gnomAD 0.009%). This sequence change replaces histidine, which is basic and polar, with proline, which is neutral and non-polar, at codon 135 of the IGSF10 protein (p.His135Pro).